The following is an entry in ClinVar:

NM_182931.3(KMT2E):c.4683G>T (p.Gln1561His)

Gene: KMT2E (lysine methyltransferase 2E (inactive); plus strand). Cytogenetic location: 7q22.3.
Variant type: single nucleotide variant.
Coding change: c.4683G>T on transcript NM_182931.3 (MANE Select); coding-DNA position 4683, G replaced by T.
Protein change: p.Gln1561His; replaces glutamine 1561 with histidine.
Molecular consequence: missense variant.
Genome position (GRCh38, 1-based): chr7:105,112,439, G>T. VCF-style: chr7-105112439-G-T. GRCh37 (hg19) VCF-style: chr7-104752886-G-T.
Other names: c.4683G>T, p.Gln1561His (NM_018682.4); short protein forms Q1561H.
Identifiers: ClinVar variation 1476251 (VCV001476251.6), dbSNP rs751370825, ClinGen allele CA4424810.

ClinVar aggregate classification (germline): Uncertain significance (1 of 4 stars; one submission).

gnomAD v4.1: 31 of 1,613,182 alleles (0.0019%); highest among the groups gnomAD compares: Non-Finnish European, 0.0025%; no homozygotes.

Submission:

Labcorp Genetics (formerly Invitae), Labcorp
Classification: Uncertain significance. Last evaluated: 2021-11-28. Review status: criteria provided, single submitter. Criteria: Invitae Variant Classification Sherloc (09022015). Collection method: clinical testing. Allele origin: germline.
Comment: In summary, the available evidence is currently insufficient to determine the role of this variant in disease. Therefore, it has been classified as a Variant of Uncertain Significance. Algorithms developed to predict the effect of missense changes on protein structure and function are either unavailable or do not agree on the potential impact of this missense change (SIFT: "Deleterious"; PolyPhen-2: "Benign"; Align-GVGD: "Class C0"). This sequence change replaces glutamine, which is neutral and polar, with histidine, which is basic and polar, at codon 1561 of the KMT2E protein (p.Gln1561His). This variant is present in population databases (rs751370825, gnomAD 0.002%). This variant has not been reported in the literature in individuals affected with KMT2E-related conditions.